The following is an entry in ClinVar:

NM_004836.7(EIF2AK3):c.9C>T (p.Arg3=)

Gene: EIF2AK3 (eukaryotic translation initiation factor 2 alpha kinase 3; minus strand). Cytogenetic location: 2p11.2.
Variant type: single nucleotide variant.
Coding change: c.9C>T on transcript NM_004836.7 (MANE Select); coding-DNA position 9, C replaced by T.
Protein change: p.Arg3=; no amino-acid change (arginine 3 retained).
Molecular consequence: synonymous variant.
Genome position (GRCh38, 1-based): chr2:88,627,266, G>A on the plus strand (C>T on the coding strand, the complement: EIF2AK3 is on the minus strand). VCF-style: chr2-88627266-G-A. GRCh37 (hg19) VCF-style: chr2-88926784-G-A.
Identifiers: ClinVar variation 1671595 (VCV001671595.15), dbSNP rs1430882440, ClinGen allele CA427354658.

ClinVar aggregate classification (germline): Likely benign. Review status: criteria provided, multiple submitters, no conflicts (2 of 4 stars). 2 submissions from 2 submitters: Likely benign (2). Last evaluated 2025-03-01.

Allele frequency attached by ClinVar (database versions not stated): TOPMed below 0.00001; gnomAD 0.00001; gnomAD exomes 0.00001 and 0.00002.
gnomAD v4.1: 8 of 1,485,702 alleles (0.00054%); highest among the groups gnomAD compares: Non-Finnish European, 0.00062%; no homozygotes.

Submissions (2):

CeGaT Center for Human Genetics Tuebingen
Classification: Likely benign. Last evaluated: 2025-03-01. Review status: criteria provided, single submitter. Criteria: CeGaT Center For Human Genetics Tuebingen Variant Classification Criteria Version 2. Collection method: clinical testing. Allele origin: germline. Affected: yes. Observed: 1 variant allele.
Comment: EIF2AK3: BP4, BP7

Labcorp Genetics (formerly Invitae), Labcorp
Classification: Likely benign. Last evaluated: 2023-12-15. Review status: criteria provided, single submitter. Criteria: Invitae Variant Classification Sherloc (09022015). Collection method: clinical testing. Allele origin: germline.